The following is an entry in ClinVar:

ClinVar aggregate classification (germline): Uncertain significance (1 of 4 stars; one submission).

Submission:

Laboratory for Molecular Medicine, Mass General Brigham Personalized Medicine
Classification: Uncertain significance. Last evaluated: 2023-05-12. Review status: criteria provided, single submitter. Criteria: ACMG Guidelines, 2015. Collection method: clinical testing. Allele origin: germline.
Comment: The p.Leu22238Phe variant in TTN has not been previously reported in individuals with cardiomyopathy nor in large population studies. Computational prediction tools and conservation do not provide strong support for or against and impact to the protein. In summary, the clinical significance of this variant is uncertain. ACMG/AMP Criteria applied: PM2_Supporting, PP3.

NM_001267550.2(TTN):c.74416C>T (p.Leu24806Phe)

Genes: TTN (titin; minus strand), TTN-AS1 (TTN antisense RNA 1; plus strand). Cytogenetic location: 2q31.2.
Variant type: single nucleotide variant.
Coding change: c.74416C>T on transcript NM_001267550.2 (MANE Select); coding-DNA position 74416, C replaced by T.
Protein change: p.Leu24806Phe; replaces leucine 24806 with phenylalanine.
Molecular consequence: missense variant.
Genome position (GRCh38, 1-based): chr2:178,571,716, G>A on the plus strand (C>T on the coding strand, the complement: TTN is on the minus strand). VCF-style: chr2-178571716-G-A. GRCh37 (hg19) VCF-style: chr2-179436443-G-A.
Other names: c.66712C>T, p.Leu22238Phe (NM_133378.4); c.69493C>T, p.Leu23165Phe (NM_001256850.1); c.47221C>T, p.Leu15741Phe (NM_003319.4); c.47596C>T, p.Leu15866Phe (NM_133432.3); c.47797C>T, p.Leu15933Phe (NM_133437.4); short protein forms L22238F, L24806F, L23165F, L15741F, L15866F, L15933F.
Identifiers: ClinVar variation 229511 (VCV000229511.6), dbSNP rs866687107, ClinGen allele CA10576482.